The following is an entry in ClinVar:

ClinVar aggregate classification (germline): Pathogenic (1 of 4 stars; one submission).

Conditions:
Carnitine palmitoyl transferase 1A deficiency. Also called: CPT deficiency, hepatic, type IA; Carnitine palmitoyltransferase type I deficiency; CPT I DEFICIENCY; CPT DEFICIENCY, HEPATIC, TYPE I; Carnitine palmitoyltransferase 1A deficiency. Identifiers: Orphanet 156, MedGen C1829703, MONDO:0009705, OMIM 255120.

Submission:

Myriad Genetics, Inc.
Classification: Pathogenic for Carnitine palmitoyl transferase 1A deficiency. Last evaluated: 2025-02-27. Review status: criteria provided, single submitter. Criteria: Myriad Autosomal Dominant, Autosomal Recessive and X-Linked Classification Criteria (2023). Collection method: clinical testing. Allele origin: unknown.
Comment: NM_001876.3(CPT1A):c.2115C>G(Y705*) is expected to be pathogenic in the context of carnitine palmitoyltransferase IA deficiency. This variant is predicted to lead to an abnormal or absent protein product due to the creation of a premature termination codon in CPT1A, a gene where loss-of-function variants are known to be pathogenic. Please note: this variant was assessed in the context of healthy population screening.

NM_001876.4(CPT1A):c.2115C>G (p.Tyr705Ter)

Gene: CPT1A (carnitine palmitoyltransferase 1A; minus strand). Cytogenetic location: 11q13.3.
Variant type: single nucleotide variant.
Coding change: c.2115C>G on transcript NM_001876.4 (MANE Select); coding-DNA position 2115, C replaced by G.
Protein change: p.Tyr705Ter; replaces tyrosine 705 with a stop codon.
Molecular consequence: nonsense.
Genome position (GRCh38, 1-based): chr11:68,760,252, G>C on the plus strand (C>G on the coding strand, the complement: CPT1A is on the minus strand). VCF-style: chr11-68760252-G-C. GRCh37 (hg19) VCF-style: chr11-68527720-G-C.
Other names: c.2115C>G, p.Tyr705Ter (NM_001031847.3, NM_001440358.1, NM_001440359.1 and 2 more transcripts); c.2007C>G, p.Tyr669Ter (NM_001440363.1); c.1962C>G, p.Tyr654Ter (NM_001440364.1); c.1929C>G, p.Tyr643Ter (NM_001440365.1); short protein forms Y643*, Y654*, Y669*, Y705*.
Identifiers: ClinVar variation 5014144 (VCV005014144.1).